The following is an entry in ClinVar:

NM_003072.5(SMARCA4):c.4802G>A (p.Arg1601Gln)

Gene: SMARCA4 (SWI/SNF related BAF chromatin remodeling complex subunit ATPase 4; plus strand). Cytogenetic location: 19p13.2.
Variant type: single nucleotide variant.
Coding change: c.4802G>A on transcript NM_003072.5 (MANE Select); coding-DNA position 4802, G replaced by A.
Protein change: p.Arg1601Gln; replaces arginine 1601 with glutamine.
Molecular consequence: missense variant. On other transcripts: non-coding transcript variant (1).
Genome position (GRCh38, 1-based): chr19:11,060,078, G>A. VCF-style: chr19-11060078-G-A. GRCh37 (hg19) VCF-style: chr19-11170754-G-A.
Other names: c.4802G>A, p.Arg1601Gln (NM_001128844.3); c.4712G>A, p.Arg1571Gln (NM_001128845.2); c.4709G>A, p.Arg1570Gln (NM_001128846.2); c.4703G>A, p.Arg1568Gln (NM_001128847.4, NM_001374457.1); c.4700G>A, p.Arg1567Gln (NM_001128848.2); c.4898G>A, p.Arg1633Gln (NM_001128849.3, NM_001387283.1); short protein forms R1633Q, R1601Q, R1568Q, R1571Q, R1567Q, R1570Q.
Identifiers: ClinVar variation 537831 (VCV000537831.20), dbSNP rs1484835507, ClinGen allele CA404080402.

ClinVar aggregate classification (germline): Conflicting classifications of pathogenicity. Review status: criteria provided, conflicting classifications (1 of 4 stars). 5 submissions from 5 submitters: Uncertain significance (4); Likely benign (1). Last evaluated 2026-01-12.

Conditions:
Intellectual disability, autosomal dominant 16 (CSS4). Also called: COFFIN-SIRIS SYNDROME 4. Identifiers: Orphanet 1465, MedGen C3553249, MONDO:0013821, OMIM 614609.
Rhabdoid tumor predisposition syndrome 2 (RTPS2). Identifiers: Orphanet 231108, Orphanet 69077, MedGen C2750074, MONDO:0013224, OMIM 613325.
Hereditary cancer-predisposing syndrome. Also called: Tumor predisposition; Hereditary Cancer Syndrome; Hereditary neoplastic syndrome; Neoplastic Syndromes, Hereditary. Identifiers: Orphanet 140162, MedGen C0027672, MeSH D009386, MONDO:0015356.

Allele frequency attached by ClinVar (database versions not stated): gnomAD exomes below 0.00001 and 0.00001; TOPMed 0.00001.
gnomAD v4.1: 5 of 1,554,272 alleles (0.00032%); highest among the groups gnomAD compares: African/African-American, 0.0055%; no homozygotes.

Submissions (5):

Labcorp Genetics (formerly Invitae), Labcorp
Classification: Uncertain significance for Rhabdoid tumor predisposition syndrome 2. Last evaluated: 2026-01-12. Review status: criteria provided, single submitter. Criteria: Invitae Variant Classification Sherloc (09022015). Collection method: clinical testing. Allele origin: germline.
Comment: This sequence change replaces arginine, which is basic and polar, with glutamine, which is neutral and polar, at codon 1633 of the SMARCA4 protein (p.Arg1633Gln). This variant is not present in population databases (gnomAD no frequency). This variant has not been reported in the literature in individuals affected with SMARCA4-related conditions. ClinVar contains an entry for this variant (Variation ID: 537831). Invitae Evidence Modeling of protein sequence and biophysical properties (such as structural, functional, and spatial information, amino acid conservation, physicochemical variation, residue mobility, and thermodynamic stability) has been performed for this missense variant. However, the output from this modeling did not meet the statistical confidence thresholds required to predict the impact of this variant on SMARCA4 protein function. In summary, the available evidence is currently insufficient to determine the role of this variant in disease. Therefore, it has been classified as a Variant of Uncertain Significance.

Baylor Genetics
Classification: Uncertain significance for Rhabdoid tumor predisposition syndrome 2. Last evaluated: 2023-07-03. Review status: criteria provided, single submitter. Criteria: ACMG Guidelines, 2015. Collection method: clinical testing. Allele origin: unknown.

GeneDx
Classification: Uncertain significance. Last evaluated: 2022-06-21. Review status: criteria provided, single submitter. Criteria: GeneDx Variant Classification Process June 2021. Collection method: clinical testing. Allele origin: germline. Affected: yes.
Comment: In silico analysis supports that this missense variant does not alter protein structure/function; Has not been previously published as pathogenic or benign to our knowledge; Also known as p.R1601Q; This variant is associated with the following publications: (PMID: 30111351, 30809794)

Ambry Genetics
Classification: Likely benign for Hereditary cancer-predisposing syndrome. Last evaluated: 2022-06-14. Review status: criteria provided, single submitter. Criteria: Ambry Variant Classification Scheme 2023. Collection method: clinical testing. Allele origin: germline.

Genome-Nilou Lab
Classification: Uncertain significance for Intellectual disability, autosomal dominant 16. Last evaluated: 2021-07-15. Review status: criteria provided, single submitter. Criteria: ACMG Guidelines, 2015. Collection method: clinical testing. Allele origin: germline. Affected: no.

Literature cited by the submitters: PubMed 30111351 (cited by Ambry Genetics).